The following is an entry in ClinVar:

ClinVar aggregate classification (germline): Uncertain significance. Review status: criteria provided, multiple submitters, no conflicts (2 of 4 stars). 7 submissions from 7 submitters: Uncertain significance (7). Last evaluated 2025-12-22.

Conditions:
Familial cancer of breast. Also called: BREAST CANCER, FAMILIAL; hereditary breast carcinoma; Hereditary breast cancer. Identifiers: Orphanet 227535, MedGen C0346153, MONDO:0016419, OMIM 114480. Disease mechanism: loss of function.
Hereditary cancer-predisposing syndrome. Also called: Tumor predisposition; Hereditary Cancer Syndrome; Hereditary neoplastic syndrome; Neoplastic Syndromes, Hereditary. Identifiers: Orphanet 140162, MedGen C0027672, MeSH D009386, MONDO:0015356.
Ataxia-telangiectasia syndrome (AT). Also called: Cerebello-oculocutaneous telangiectasia; Immunodeficiency with ataxia telangiectasia; AT, COMPLEMENTATION GROUP C; LOUIS-BAR SYNDROME; Ataxia telangiectasia (A-T); Ataxia-telangiectasia. Identifiers: Orphanet 100, MedGen C0004135, MONDO:0008840, OMIM 208900.

Allele frequency attached by ClinVar (database versions not stated): ExAC 0.00001; gnomAD 0.00001; gnomAD exomes 0.00001; TOPMed 0.00001.
gnomAD v4.1: 8 of 1,613,832 alleles (0.0005%); highest among the groups gnomAD compares: African/African-American, 0.0013%; no homozygotes.

Submissions (7):

Ambry Genetics
Classification: Uncertain significance for Hereditary cancer-predisposing syndrome. Last evaluated: 2025-12-22. Review status: criteria provided, single submitter. Criteria: Ambry Variant Classification Scheme 2023. Collection method: clinical testing. Allele origin: germline.
Comment: The c.3077+5G>A intronic variant results from a G to A substitution 5 nucleotides after coding exon 19 in the ATM gene. This nucleotide position is highly conserved in available vertebrate species. In silico splice site analysis predicts that this alteration will weaken the native splice donor site; however direct evidence is insufficient at this time (Ambry internal data). Since supporting evidence is limited at this time, the clinical significance of this alteration remains unclear.

Labcorp Genetics (formerly Invitae), Labcorp
Classification: Uncertain significance for Ataxia-telangiectasia syndrome. Last evaluated: 2025-12-09. Review status: criteria provided, single submitter. Criteria: Invitae Variant Classification Sherloc (09022015). Collection method: clinical testing. Allele origin: germline.
Comment: This sequence change falls in intron 20 of the ATM gene. It does not directly change the encoded amino acid sequence of the ATM protein. It affects a nucleotide within the consensus splice site. This variant is present in population databases (rs777003996, gnomAD 0.009%). This variant has not been reported in the literature in individuals affected with ATM-related conditions. ClinVar contains an entry for this variant (Variation ID: 419299). Variants that disrupt the consensus splice site are a relatively common cause of aberrant splicing (PMID: 17576681, 9536098). Algorithms developed to predict the effect of sequence changes on RNA splicing suggest that this variant may disrupt the consensus splice site. In summary, the available evidence is currently insufficient to determine the role of this variant in disease. Therefore, it has been classified as a Variant of Uncertain Significance.

KCCC/NGS Laboratory, Kuwait Cancer Control Center
Classification: Uncertain significance for Familial cancer of breast. Last evaluated: 2025-12-01. Review status: criteria provided, single submitter. Criteria: ACMG Guidelines, 2015. Collection method: clinical testing. Allele origin: germline. Inheritance: Autosomal dominant inheritance. Affected: yes.
Comment: the available evidence is currently insufficient to determine the role of this variant in disease. Therefore, it has been classified as a Variant of Uncertain Significance.

GeneDx
Classification: Uncertain significance. Last evaluated: 2023-07-10. Review status: criteria provided, single submitter. Criteria: GeneDx Variant Classification Process June 2021. Collection method: clinical testing. Allele origin: germline. Affected: yes.
Comment: Not observed at significant frequency in large population cohorts (gnomAD); Intronic +5 splice site variant in a gene for which loss of function is a known mechanism of disease, and both splice predictors and evolutionary conservation support a deleterious effect, although in the absence of functional evidence the actual effect of this sequence change is unknown.; Has not been previously published as pathogenic or benign to our knowledge; Also known as IVS22+5G>A; This variant is associated with the following publications: (PMID: 19781682)

Baylor Genetics
Classification: Uncertain significance for Familial cancer of breast. Last evaluated: 2022-11-14. Review status: criteria provided, single submitter. Criteria: ACMG Guidelines, 2015. Collection method: clinical testing. Allele origin: unknown.

Blueprint Genetics
Classification: Uncertain significance. Last evaluated: 2021-09-02. Review status: criteria provided, single submitter. Criteria: ACMG Guidelines, 2015. Collection method: clinical testing. Allele origin: germline.

Color Diagnostics, LLC DBA Color Health
Classification: Uncertain significance for Hereditary cancer-predisposing syndrome. Last evaluated: 2018-08-05. Review status: criteria provided, single submitter. Criteria: ACMG Guidelines, 2015. Collection method: clinical testing. Allele origin: germline.

Literature cited by the submitters: PubMed 17576681 (cited by Labcorp Genetics (formerly Invitae), Labcorp); PubMed 9536098 (cited by Labcorp Genetics (formerly Invitae), Labcorp).

NM_000051.4(ATM):c.3077+5G>A

Gene: ATM (ATM serine/threonine kinase; plus strand). Cytogenetic location: 11q22.3.
Variant type: single nucleotide variant.
Coding change: c.3077+5G>A on transcript NM_000051.4 (MANE Select); 5 bases into the intron after coding-DNA position 3077, G replaced by A.
Molecular consequence: intron variant.
Genome position (GRCh38, 1-based): chr11:108,271,411, G>A. VCF-style: chr11-108271411-G-A. GRCh37 (hg19) VCF-style: chr11-108142138-G-A.
Other names: c.3077+5G>A (NM_001351834.2).
Identifiers: ClinVar variation 419299 (VCV000419299.18), dbSNP rs777003996, ClinGen allele CA6265180.
Genomic context (GRCh38, chr11:108,271,411, plus strand): 5'-TCTGAGAACACAAGGGATGCTCAAGGACAGTTTCTTACAGTAATTGGAGCATTTTGGTAG[G>A]TACAGTCTATTTTGTGGTCCTATTTTTCTTTTGCTATCTGTGGATACGAATGCAAGTTTT-3'